The following is an entry in ClinVar:

ClinVar aggregate classification (germline): Uncertain significance. Review status: criteria provided, multiple submitters, no conflicts (2 of 4 stars). 2 submissions from 2 submitters: Uncertain significance (2). Last evaluated 2025-05-18.

Conditions:
Curry-Hall syndrome (WAD). Also called: WEYERS ACRODENTAL DYSOSTOSIS. Identifiers: Orphanet 952, MedGen C0457013, MONDO:0008673, OMIM 193530.
Ellis-van Creveld syndrome (EVC). Also called: MESOECTODERMAL DYSPLASIA; Chondroectodermal dysplasia. Identifiers: Orphanet 289, MedGen C0013903, MONDO:0009162, OMIM 225500.

Allele frequency attached by ClinVar (database versions not stated): gnomAD 0.00001 and 0.00003; TOPMed 0.00003; gnomAD exomes 0.00006 and 0.00008; ExAC 0.00008.

Submissions (2):

Labcorp Genetics (formerly Invitae), Labcorp
Classification: Uncertain significance for Curry-Hall syndrome; Ellis-van Creveld syndrome. Last evaluated: 2025-05-18. Review status: criteria provided, single submitter. Criteria: Invitae Variant Classification Sherloc (09022015). Collection method: clinical testing. Allele origin: germline.
Comment: This sequence change replaces serine, which is neutral and polar, with leucine, which is neutral and non-polar, at codon 201 of the EVC2 protein (p.Ser201Leu). This variant is present in population databases (rs766533908, gnomAD 0.06%). This variant has not been reported in the literature in individuals affected with EVC2-related conditions. ClinVar contains an entry for this variant (Variation ID: 461810). An algorithm developed to predict the effect of missense changes on protein structure and function (PolyPhen-2) suggests that this variant is likely to be tolerated. In summary, the available evidence is currently insufficient to determine the role of this variant in disease. Therefore, it has been classified as a Variant of Uncertain Significance.

Blueprint Genetics
Classification: Uncertain significance. Last evaluated: 2024-05-28. Review status: criteria provided, single submitter. Criteria: ACMG Guidelines, 2015. Collection method: clinical testing. Allele origin: germline.

NM_147127.5(EVC2):c.602C>T (p.Ser201Leu)

Gene: EVC2 (EvC ciliary complex subunit 2; minus strand). Cytogenetic location: 4p16.2.
Variant type: single nucleotide variant.
Coding change: c.602C>T on transcript NM_147127.5 (MANE Select); coding-DNA position 602, C replaced by T.
Protein change: p.Ser201Leu; replaces serine 201 with leucine.
Molecular consequence: missense variant.
Genome position (GRCh38, 1-based): chr4:5,689,261, G>A on the plus strand (C>T on the coding strand, the complement: EVC2 is on the minus strand). VCF-style: chr4-5689261-G-A. GRCh37 (hg19) VCF-style: chr4-5690988-G-A.
Other names: c.362C>T, p.Ser121Leu (NM_001166136.2); short protein forms S201L, S121L.
Identifiers: ClinVar variation 461810 (VCV000461810.6), dbSNP rs766533908, ClinGen allele CA2835388.